The following is an entry in ClinVar:

ClinVar aggregate classification (germline): Uncertain significance (1 of 4 stars; one submission).

Submission:

Labcorp Genetics (formerly Invitae), Labcorp
Classification: Uncertain significance. Last evaluated: 2022-10-18. Review status: criteria provided, single submitter. Criteria: Invitae Variant Classification Sherloc (09022015). Collection method: clinical testing. Allele origin: germline.
Comment: In summary, the available evidence is currently insufficient to determine the role of this variant in disease. Therefore, it has been classified as a Variant of Uncertain Significance. This variant has not been reported in the literature in individuals affected with FXYD2-related conditions. This variant is present in population databases (rs769829514, gnomAD 0.002%). This sequence change creates a premature translational stop signal (p.Tyr23*) in the FXYD2 gene. It is expected to result in an absent or disrupted protein product. However, the current clinical and genetic evidence is not sufficient to establish whether loss-of-function variants in FXYD2 cause disease.

NM_001680.5(FXYD2):c.68_69del (p.Asp22_Tyr23insTer)

Genes: FXYD2 (FXYD domain containing ion transport regulator 2; minus strand), FXYD6-FXYD2 (FXYD6-FXYD2 readthrough; minus strand). Cytogenetic location: 11q23.3.
Variant type: Deletion.
Coding change: c.68_69del on transcript NM_001680.5 (MANE Select); coding-DNA positions 68 to 69, 2 bases deleted (AT; older notation c.68_69delAT).
Protein change: p.Asp22_Tyr23insTer.
Molecular consequence: nonsense. On other transcripts: intron variant (1).
Genome position (GRCh38, 1-based): chr11:117,822,476-117,822,477, AT deleted on the plus strand (AT on the coding strand, the reverse complement: FXYD2 is on the minus strand); deleting any 2 consecutive bases within chr11:117,822,476-117,822,478 gives the same sequence; the c. name uses the placement nearest the transcript's 3' end. VCF-style (leftmost placement, unchanged base first): chr11-117822475-CAT-C. GRCh37 (hg19) VCF-style: chr11-117693190-CAT-C.
Other names: c.302_303del, p.Asp100_Tyr101insTer (NM_001204268.3); c.62_63del, p.Asp20_Tyr21insTer (NM_021603.4); c.311+202_311+203del (NM_001243598.4).
Identifiers: ClinVar variation 1923840 (VCV001923840.5), dbSNP rs769829514, ClinGen allele CA6297818.
Genomic context (GRCh38, chr11:117,822,475, plus strand): 5'-TGAGGAGCCCCACGATGAAGGCCAGTCCAGCGAAGATCAGGCCCCCATTGCGAACGGTCT[CAT>C]AGTCTCCGGAAAGAGAGGGCAAGAGGAGCGGGATGGGTGGTCTCTCCCAGCAGCTGTCTC-3'